The following is an entry in ClinVar:

NM_001845.6(COL4A1):c.2095+5C>T

Gene: COL4A1 (collagen type IV alpha 1 chain; minus strand). Cytogenetic location: 13q34.
Variant type: single nucleotide variant.
Coding change: c.2095+5C>T on transcript NM_001845.6 (MANE Select); 5 bases into the intron after coding-DNA position 2095, C replaced by T.
Molecular consequence: intron variant.
Genome position (GRCh38, 1-based): chr13:110,182,988, G>A on the plus strand (C>T on the coding strand, the complement: COL4A1 is on the minus strand). VCF-style: chr13-110182988-G-A. GRCh37 (hg19) VCF-style: chr13-110835335-G-A.
Identifiers: ClinVar variation 2031758 (VCV002031758.4), dbSNP rs1002310339, ClinGen allele CA2580087123.

ClinVar aggregate classification (germline): Uncertain significance (1 of 4 stars; one submission).

Submission:

Labcorp Genetics (formerly Invitae), Labcorp
Classification: Uncertain significance. Last evaluated: 2023-12-11. Review status: criteria provided, single submitter. Criteria: Invitae Variant Classification Sherloc (09022015). Collection method: clinical testing. Allele origin: germline.
Comment: This sequence change falls in intron 28 of the COL4A1 gene. It does not directly change the encoded amino acid sequence of the COL4A1 protein. It affects a nucleotide within the consensus splice site. This variant is not present in population databases (gnomAD no frequency). This variant has not been reported in the literature in individuals affected with COL4A1-related conditions. ClinVar contains an entry for this variant (Variation ID: 2031758). Variants that disrupt the consensus splice site are a relatively common cause of aberrant splicing (PMID: 17576681, 9536098). Algorithms developed to predict the effect of sequence changes on RNA splicing suggest that this variant is not likely to affect RNA splicing. In summary, the available evidence is currently insufficient to determine the role of this variant in disease. Therefore, it has been classified as a Variant of Uncertain Significance.

Literature cited by the submitters: PubMed 17576681; PubMed 9536098.